The following is an entry in ClinVar:

ClinVar aggregate classification (germline): Uncertain significance (1 of 4 stars; one submission).

Allele frequency attached by ClinVar (database versions not stated): gnomAD exomes below 0.00001; ExAC 0.00001.
gnomAD v4.1: 2 of 1,613,140 alleles (0.00012%); highest among the groups gnomAD compares: Admixed American, 0.0033%; no homozygotes.

Submission:

Labcorp Genetics (formerly Invitae), Labcorp
Classification: Uncertain significance. Last evaluated: 2022-03-20. Review status: criteria provided, single submitter. Criteria: Invitae Variant Classification Sherloc (09022015). Collection method: clinical testing. Allele origin: germline.
Comment: In summary, the available evidence is currently insufficient to determine the role of this variant in disease. Therefore, it has been classified as a Variant of Uncertain Significance. Algorithms developed to predict the effect of missense changes on protein structure and function are either unavailable or do not agree on the potential impact of this missense change (SIFT: "Deleterious"; PolyPhen-2: "Possibly Damaging"; Align-GVGD: "Class C0"). This variant has not been reported in the literature in individuals affected with HMCN1-related conditions. This variant is present in population databases (rs761411084, gnomAD 0.006%). This sequence change replaces valine, which is neutral and non-polar, with isoleucine, which is neutral and non-polar, at codon 1653 of the HMCN1 protein (p.Val1653Ile).

NM_031935.3(HMCN1):c.4957G>A (p.Val1653Ile)

Gene: HMCN1 (hemicentin 1; plus strand). Cytogenetic location: 1q31.1.
Variant type: single nucleotide variant.
Coding change: c.4957G>A on transcript NM_031935.3 (MANE Select); coding-DNA position 4957, G replaced by A.
Protein change: p.Val1653Ile; replaces valine 1653 with isoleucine.
Molecular consequence: missense variant.
Genome position (GRCh38, 1-based): chr1:186,016,005, G>A. VCF-style: chr1-186016005-G-A. GRCh37 (hg19) VCF-style: chr1-185985137-G-A.
Other names: short protein forms V1653I.
Identifiers: ClinVar variation 1964486 (VCV001964486.5), dbSNP rs761411084, ClinGen allele CA1292150.